The following is an entry in ClinVar:

ClinVar aggregate classification (germline): Pathogenic. Review status: criteria provided, multiple submitters, no conflicts (2 of 4 stars). 6 submissions from 6 submitters: Pathogenic (4). 2 of the submissions do not count toward it. Last evaluated 2025-08-24.

Conditions:
TSC1-related disorder. Also called: TSC1-related condition.
Malignant tumor of urinary bladder. Also called: Bladder cancer; Urinary Bladder Neoplasms; Urinary bladder cancer. Identifiers: MedGen C0005684, MONDO:0001187, OMIM 109800.
Tuberous sclerosis 1 (TSC1). Identifiers: Orphanet 805, MedGen C1854465, MONDO:0008612, OMIM 191100.

Allele frequency attached by ClinVar (database versions not stated): gnomAD exomes below 0.00001.
gnomAD v4.1: 1 of 1,614,132 alleles (0.000062%); highest among the groups gnomAD compares: Non-Finnish European, 0.000085%; no homozygotes.

Submissions (6):

Labcorp Genetics (formerly Invitae), Labcorp
Classification: Pathogenic for Tuberous sclerosis 1. Last evaluated: 2025-08-24. Review status: criteria provided, single submitter. Criteria: Invitae Variant Classification Sherloc (09022015). Collection method: clinical testing. Allele origin: germline.
Comment: This sequence change creates a premature translational stop signal (p.Gln842*) in the TSC1 gene. It is expected to result in an absent or disrupted protein product. Loss-of-function variants in TSC1 are known to be pathogenic (PMID: 10227394, 17304050). This variant is not present in population databases (gnomAD no frequency). This premature translational stop signal has been observed in individuals with tuberous sclerosis complex (PMID: 23728315, 27174333). It has also been observed to segregate with disease in related individuals. This variant is also known as c.2371C>T (p.Q791X) and c.2523C>T. ClinVar contains an entry for this variant (Variation ID: 466085). For these reasons, this variant has been classified as Pathogenic.

Genome-Nilou Lab
Classification: Pathogenic for Tuberous sclerosis 1. Last evaluated: 2021-11-07. Review status: criteria provided, single submitter. Criteria: ACMG Guidelines, 2015. Collection method: clinical testing. Allele origin: germline. Affected: no.

Institute of Human Genetics Munich, TUM University Hospital
Classification: Pathogenic for Tuberous sclerosis 1. Last evaluated: 2019-05-16. Review status: criteria provided, single submitter. Criteria: Classification criteria August 2017. Collection method: clinical testing. Allele origin: de novo. Inheritance: Autosomal dominant inheritance. Affected: yes. Observed: 1 heterozygote.

GeneDx
Classification: Pathogenic. Last evaluated: 2018-08-07. Review status: criteria provided, single submitter. Criteria: GeneDx Variant Classification (06012015). Collection method: clinical testing. Allele origin: germline. Affected: yes.
Comment: The Q842X nonsense variant in the TSC1 gene has been reported previously in a family with multiple generations of TSC (KÃ¶vesdi et al., 2013). This pathogenic variant is predicted to cause loss of normal protein function either through protein truncation or nonsense-mediated mRNA decay. Additionally, the Q842X variant is not observed in large population cohorts (Lek et al., 2016). Therefore, the presence of Q842X is consistent with the diagnosis of TSC in this individual.

PreventionGenetics, part of Exact Sciences
Classification: Pathogenic for TSC1-related condition. Last evaluated: 2024-08-20. Review status: no assertion criteria provided. Collection method: clinical testing. Allele origin: germline. Not counted in ClinVar's aggregate classification.
Comment: The TSC1 c.2524C>T variant is predicted to result in premature protein termination (p.Gln842*). This variant has been reported de novo in two unrelated individuals with Tuberous Sclerosis Complex (Referred to as c.2523C>T (p.Glu843*), Kövesdi et al. 2013. PubMed ID: 23728315; Klinner et al. 2020. PubMed ID: 32479982). This variant has not been reported in a large population database, indicating this variant is rare. It is interpreted as pathogenic in ClinVar. Nonsense variants in TSC1 are expected to be pathogenic. This variant is interpreted as pathogenic.

Laboratory of Urology, Hospital Clinic de Barcelona
Classification: Pathogenic for Malignant tumor of urinary bladder. Review status: no assertion criteria provided. Collection method: research. Allele origin: somatic. Affected: yes. Not counted in ClinVar's aggregate classification.

Literature cited by the submitters: PubMed 10227394 (cited by Labcorp Genetics (formerly Invitae), Labcorp); PubMed 17304050 (cited by Labcorp Genetics (formerly Invitae), Labcorp); PubMed 23728315 (cited by Labcorp Genetics (formerly Invitae), Labcorp); PubMed 27174333 (cited by Labcorp Genetics (formerly Invitae), Labcorp).

NM_000368.5(TSC1):c.2524C>T (p.Gln842Ter)

Gene: TSC1 (TSC complex subunit 1; minus strand). Cytogenetic location: 9q34.13.
Variant type: single nucleotide variant.
Coding change: c.2524C>T on transcript NM_000368.5 (MANE Select); coding-DNA position 2524, C replaced by T.
Protein change: p.Gln842Ter; replaces glutamine 842 with a stop codon.
Molecular consequence: nonsense.
Genome position (GRCh38, 1-based): chr9:132,900,816, G>A on the plus strand (C>T on the coding strand, the complement: TSC1 is on the minus strand). VCF-style: chr9-132900816-G-A. GRCh37 (hg19) VCF-style: chr9-135776203-G-A.
Other names: c.2521C>T, p.Gln841Ter (NM_001162426.2); c.2371C>T, p.Gln791Ter (NM_001162427.2); c.2161C>T, p.Gln721Ter (NM_001362177.2); short protein forms Q842*, Q791*, Q721*, Q841*.
Identifiers: ClinVar variation 466085 (VCV000466085.18), dbSNP rs1447417010, ClinGen allele CA375370274.